The following is an entry in ClinVar:

NM_001203.3(BMPR1B):c.*1013C>T

Gene: BMPR1B (bone morphogenetic protein receptor type 1B; plus strand). Cytogenetic location: 4q22.3.
Variant type: single nucleotide variant.
Coding change: c.*1013C>T on transcript NM_001203.3 (MANE Select); 1013 bases downstream of the stop codon, C replaced by T.
Molecular consequence: 3 prime UTR variant.
Genome position (GRCh38, 1-based): chr4:95,155,686, C>T. VCF-style: chr4-95155686-C-T. GRCh37 (hg19) VCF-style: chr4-96076837-C-T.
Other names: c.*1013C>T (NM_001256792.2, NM_001256793.2, NM_001256794.1).
Identifiers: ClinVar variation 350148 (VCV000350148.5), dbSNP rs191551226, ClinGen allele CA10618664.
Genomic context (GRCh38, chr4:95,155,686, plus strand): 5'-CTTGTGTTGTAAGAGGAACATGTCAACAAAGATAGGAAATGAGGGTGATCGTGCAGATGG[C>T]TTGTATCTTATATATGCAAAGGAGCCAATCTCAGAAGCACAAAGAAAAAAGTGTGCATAC-3'

ClinVar aggregate classification (germline): Likely benign (1 of 4 stars; one submission).

Conditions:
Brachydactyly. Also called: Brachydactyly syndrome; Brachydactyly (disease). Identifiers: MedGen C0221357, MONDO:0021004, HP:0001156.

Allele frequency attached by ClinVar (database versions not stated): gnomAD 0.00020 and 0.00022; TOPMed 0.00023; 1000 Genomes Project 0.00060; 1000 Genomes Project 30x 0.00094.

Submission:

Illumina Laboratory Services, Illumina
Classification: Likely benign for Brachydactyly. Last evaluated: 2017-04-27. Review status: criteria provided, single submitter. Criteria: ICSL Variant Classification Criteria 13 December 2019. Collection method: clinical testing. Allele origin: germline.
Comment: This variant was observed as part of a predisposition screen in an ostensibly healthy population. A literature search was performed for the gene, cDNA change, and amino acid change (where applicable). No publications were found based on this search. Allele frequency data from public databases allowed determination this variant is unlikely to cause disease. Therefore, this variant is classified as likely benign.